The following is an entry in ClinVar:

ClinVar aggregate classification (germline): Uncertain significance (1 of 4 stars; one submission).

Submission:

Ambry Genetics
Classification: Uncertain significance. Last evaluated: 2023-10-15. Review status: criteria provided, single submitter. Criteria: Ambry Variant Classification Scheme 2023. Collection method: clinical testing. Allele origin: germline.
Comment: The p.V849L variant (also known as c.2545G>T), located in coding exon 4 of the ALPK2 gene, results from a G to T substitution at nucleotide position 2545. The valine at codon 849 is replaced by leucine, an amino acid with highly similar properties. This amino acid position is conserved. In addition, this alteration is predicted to be tolerated by in silico analysis. Since supporting evidence is limited at this time, the clinical significance of this alteration remains unclear.

NM_052947.4(ALPK2):c.2545G>T (p.Val849Leu)

Gene: ALPK2 (alpha kinase 2; minus strand). Cytogenetic location: 18q21.31.
Variant type: single nucleotide variant.
Coding change: c.2545G>T on transcript NM_052947.4 (MANE Select); coding-DNA position 2545, G replaced by T.
Protein change: p.Val849Leu; replaces valine 849 with leucine.
Molecular consequence: missense variant.
Genome position (GRCh38, 1-based): chr18:58,537,642, C>A on the plus strand (G>T on the coding strand, the complement: ALPK2 is on the minus strand). VCF-style: chr18-58537642-C-A. GRCh37 (hg19) VCF-style: chr18-56204874-C-A.
Other names: short protein forms V849L.
Identifiers: ClinVar variation 3228630 (VCV003228630.1), dbSNP rs2518877548, ClinGen allele CA402570297.